The following is an entry in ClinVar:

NM_001127715.4(STXBP5):c.1505A>G (p.Tyr502Cys)

Gene: STXBP5 (syntaxin binding protein 5; plus strand). Cytogenetic location: 6q24.3.
Variant type: single nucleotide variant.
Coding change: c.1505A>G on transcript NM_001127715.4 (MANE Select); coding-DNA position 1505, A replaced by G.
Protein change: p.Tyr502Cys; replaces tyrosine 502 with cysteine.
Molecular consequence: missense variant.
Genome position (GRCh38, 1-based): chr6:147,315,617, A>G. VCF-style: chr6-147315617-A-G. GRCh37 (hg19) VCF-style: chr6-147636753-A-G.
Other names: c.1505A>G, p.Tyr502Cys (NM_001394409.1, NM_139244.6); short protein forms Y502C.
Identifiers: ClinVar variation 779426 (VCV000779426.5), dbSNP rs148830578, ClinGen allele CA4039032.

ClinVar aggregate classification (germline): Benign. Review status: criteria provided, single submitter (1 of 4 stars). 2 submissions from 2 submitters: Benign (1). 1 of the submissions does not count toward it. Last evaluated 2018-05-17.

Conditions:
STXBP5-related disorder. Also called: STXBP5-related condition.

Allele frequency attached by ClinVar (database versions not stated): 1000 Genomes Project 0.00060; 1000 Genomes Project 30x 0.00062; TOPMed 0.00271; ExAC 0.00365; gnomAD 0.00369 and 0.00391; ESP Exome Variant Server 0.00392; gnomAD exomes 0.00395 and 0.00474.
gnomAD v4.1: 7,397 of 1,613,960 alleles (0.46%); highest among the groups gnomAD compares: Non-Finnish European, 0.51%; 20 homozygotes.

Submissions (2):

Labcorp Genetics (formerly Invitae), Labcorp
Classification: Benign. Last evaluated: 2018-05-17. Review status: criteria provided, single submitter. Criteria: Invitae Variant Classification Sherloc (09022015). Collection method: clinical testing. Allele origin: germline.

PreventionGenetics, part of Exact Sciences
Classification: Benign for STXBP5-related condition. Last evaluated: 2021-11-04. Review status: no assertion criteria provided. Collection method: clinical testing. Allele origin: germline. Not counted in ClinVar's aggregate classification.
Comment: This variant is classified as benign based on ACMG/AMP sequence variant interpretation guidelines (Richards et al. 2015 PMID: 25741868, with internal and published modifications).